The following is an entry in ClinVar:

NM_017777.4(MKS1):c.81-1G>A

Gene: MKS1 (MKS transition zone complex subunit 1; minus strand). Cytogenetic location: 17q22.
Variant type: single nucleotide variant.
Coding change: c.81-1G>A on transcript NM_017777.4 (MANE Select); the canonical splice acceptor site of the intron before coding-DNA position 81, G replaced by A.
Molecular consequence: splice acceptor variant.
Genome position (GRCh38, 1-based): chr17:58,218,730, C>T on the plus strand (G>A on the coding strand, the complement: MKS1 is on the minus strand). VCF-style: chr17-58218730-C-T. GRCh37 (hg19) VCF-style: chr17-56296091-C-T.
Other names: c.81-1G>A (NM_017777.3, NM_001330397.2, NM_001321269.2 and 1 more transcripts); c.-431-1G>A (NM_001321268.2).
Identifiers: ClinVar variation 1494655 (VCV001494655.7), dbSNP rs12942386, ClinGen allele CA292016366.

ClinVar aggregate classification (germline): Likely pathogenic. Review status: criteria provided, multiple submitters, no conflicts (2 of 4 stars). 3 submissions from 3 submitters: Likely pathogenic (3). Last evaluated 2025-10-29.

Conditions:
MKS1-related disorder. Also called: MKS1-related disorders; MKS1-related condition. Identifiers: MedGen CN239382.
Joubert syndrome. Also called: Familial aplasia of the vermis; JOUBERT-BOLTSHAUSER SYNDROME. Identifiers: Orphanet 475, MedGen C5979921, MONDO:0018772.
Meckel-Gruber syndrome. Also called: Dysencephalia splachnocystica; DYSENCEPHALIA SPLANCHNOCYSTICA; GRUBER SYNDROME. Identifiers: Orphanet 564, MedGen C0265215, MONDO:0018921.
Meckel syndrome, type 1 (MKS1). Also called: MECKEL-GRUBER SYNDROME, TYPE 1. Identifiers: Orphanet 564, MedGen C3714506, MONDO:0009571, OMIM 249000.

Allele frequency attached by ClinVar (database versions not stated): gnomAD exomes below 0.00001; gnomAD 0.00001.

Submissions (3):

PreventionGenetics, part of Exact Sciences
Classification: Likely pathogenic for MKS1-related condition. Last evaluated: 2025-10-29. Review status: criteria provided, single submitter. Criteria: ACMG Guidelines, 2015. Collection method: clinical testing. Allele origin: germline.
Comment: The MKS1 c.81-1G>A variant is predicted to disrupt the AG splice acceptor site and interfere with normal splicing. To our knowledge, this variant has not been reported in the literature or in a large population database (gnomAD), indicating this variant is rare. Variants that disrupt the consensus splice acceptor site in MKS1 are expected to be pathogenic. This variant is interpreted as likely pathogenic.

Labcorp Genetics (formerly Invitae), Labcorp
Classification: Likely pathogenic for Joubert syndrome; Meckel-Gruber syndrome. Last evaluated: 2024-10-21. Review status: criteria provided, single submitter. Criteria: Invitae Variant Classification Sherloc (09022015). Collection method: clinical testing. Allele origin: germline.
Comment: This sequence change affects an acceptor splice site in intron 1 of the MKS1 gene. It is expected to disrupt RNA splicing. Variants that disrupt the donor or acceptor splice site typically lead to a loss of protein function (PMID: 16199547), and loss-of-function variants in MKS1 are known to be pathogenic (PMID: 19466712, 24886560, 26490104). This variant is not present in population databases (gnomAD no frequency). This variant has not been reported in the literature in individuals affected with MKS1-related conditions. ClinVar contains an entry for this variant (Variation ID: 1494655). Algorithms developed to predict the effect of sequence changes on RNA splicing suggest that this variant may disrupt the consensus splice site. In summary, the currently available evidence indicates that the variant is pathogenic, but additional data are needed to prove that conclusively. Therefore, this variant has been classified as Likely Pathogenic.

Natera, Inc.
Classification: Likely pathogenic for Meckel syndrome type 1. Last evaluated: 2024-06-10. Review status: criteria provided, single submitter. Criteria: Natera Variant Classification Schema (03/2026). Collection method: clinical testing. Allele origin: germline.
Comment: The c.81-1G>A variant in MKS1 is a canonical splice acceptor site variant predicted to affect pre-mRNA splicing, which may result in an abnormal transcript and altered protein product. This variant is expected to result in nonsense mediated decay, truncation, or a dysfunctional protein product. This variant is rare in the general population with a frequency below the threshold expected for the associated phenotype(s). Given the available evidence, this variant is classified as Likely Pathogenic.

Literature cited by the submitters: PubMed 16199547 (cited by Labcorp Genetics (formerly Invitae), Labcorp); PubMed 19466712 (cited by Labcorp Genetics (formerly Invitae), Labcorp); PubMed 24886560 (cited by Labcorp Genetics (formerly Invitae), Labcorp); PubMed 26490104 (cited by Labcorp Genetics (formerly Invitae), Labcorp).